The following is an entry in ClinVar:

NM_007294.4(BRCA1):c.4715_4716del (p.Phe1571_Ser1572insTer)

Gene: BRCA1 (BRCA1 DNA repair associated; minus strand). Cytogenetic location: 17q21.31.
Variant type: Microsatellite.
Coding change: c.4715_4716del on transcript NM_007294.4 (MANE Select); coding-DNA positions 4715 to 4716, 2 bases deleted (CT; older notation c.4715_4716delCT).
Protein change: p.Phe1571_Ser1572insTer.
Molecular consequence: nonsense. On other transcripts: frameshift variant (365), non-coding transcript variant (1).
Genome position (GRCh38, 1-based): chr17:43,071,198-43,071,199, AG deleted on the plus strand (CT on the coding strand, the reverse complement: BRCA1 is on the minus strand); deleting any 2 consecutive bases within chr17:43,071,198-43,071,202 gives the same sequence; the c. name uses the placement nearest the transcript's 3' end. VCF-style (leftmost placement, unchanged base first): chr17-43071197-CAG-C. GRCh37 (hg19) VCF-style: chr17-41223214-CAG-C.
Other names: c.4499_4500TC[1], p.Ser1501Terfs (NM_001407571.1, NM_001407894.1, NM_001407895.1 and 12 more transcripts); c.4778_4779TC[1], p.Ser1594Terfs (NM_001407581.1, NM_001407582.1); c.4775_4776TC[1], p.Ser1593Terfs (NM_001407583.1, NM_001407585.1, NM_001407587.1); c.4772_4773TC[1], p.Ser1592Terfs (NM_001407590.1, NM_001407591.1); c.4712_4713TC[1], p.Ser1572Terfs (NM_001407593.1, NM_001407594.1, NM_001407596.1 and 9 more transcripts); c.4709_4710TC[1], p.Ser1571Terfs (NM_001407610.1, NM_001407611.1, NM_001407612.1 and 17 more transcripts); c.4706_4707TC[1], p.Ser1570Terfs (NM_001407627.1, NM_001407628.1, NM_001407629.1 and 14 more transcripts); c.4703_4704TC[1], p.Ser1569Terfs (NM_001407644.1, NM_001407645.1); and 74 more.
Identifiers: ClinVar variation 1384927 (VCV001384927.9), dbSNP rs2153889881, ClinGen allele CA2580612628.

ClinVar aggregate classification (germline): Pathogenic. Review status: criteria provided, multiple submitters, no conflicts (2 of 4 stars). 2 submissions from 2 submitters: Pathogenic (2). Last evaluated 2021-09-06.

Conditions:
Hereditary cancer-predisposing syndrome. Also called: Tumor predisposition; Neoplastic Syndromes, Hereditary; Hereditary Cancer Syndrome; Hereditary neoplastic syndrome. Identifiers: Orphanet 140162, MedGen C0027672, MeSH D009386, MONDO:0015356.
Hereditary breast ovarian cancer syndrome. Also called: Hereditary breast and ovarian cancer syndrome (HBOC); Breast and ovarian cancer; BRCA1- and BRCA2-Associated Hereditary Breast and Ovarian Cancer; Hereditary breast and ovarian cancer; Hereditary breast and ovarian cancer syndrome; Hereditary breast and/or ovarian cancer syndrome. Identifiers: Orphanet 145, MedGen C0677776, MeSH D061325, MONDO:0003582. Disease mechanism: loss of function.

Submissions (2):

Labcorp Genetics (formerly Invitae), Labcorp
Classification: Pathogenic for Hereditary breast ovarian cancer syndrome. Last evaluated: 2021-09-06. Review status: criteria provided, single submitter. Criteria: Invitae Variant Classification Sherloc (09022015). Collection method: clinical testing. Allele origin: germline.
Comment: This sequence change creates a premature translational stop signal (p.Ser1572*) in the BRCA1 gene. It is expected to result in an absent or disrupted protein product. Loss-of-function variants in BRCA1 are known to be pathogenic (PMID: 20104584). This variant is not present in population databases (ExAC no frequency). This variant has not been reported in the literature in individuals affected with BRCA1-related conditions. For these reasons, this variant has been classified as Pathogenic.

Ambry Genetics
Classification: Pathogenic for Hereditary cancer-predisposing syndrome. Last evaluated: 2021-06-28. Review status: criteria provided, single submitter. Criteria: Ambry Variant Classification Scheme 2023. Collection method: clinical testing. Allele origin: germline.
Comment: The c.4715_4716delCT pathogenic mutation, located in coding exon 14 of the BRCA1 gene, results from a deletion of two nucleotides at nucleotide positions 4715 to 4716, causing a translational frameshift with a predicted alternate stop codon (p.S1572*). This alteration is expected to result in loss of function by premature protein truncation or nonsense-mediated mRNA decay. As such, this alteration is interpreted as a disease-causing mutation.

Literature cited by the submitters: PubMed 20104584 (cited by Labcorp Genetics (formerly Invitae), Labcorp).